The following is an entry in ClinVar:

NM_001042492.3(NF1):c.2018G>A (p.Cys673Tyr)

Gene: NF1 (neurofibromin 1; plus strand). Cytogenetic location: 17q11.2.
Variant type: single nucleotide variant.
Coding change: c.2018G>A on transcript NM_001042492.3 (MANE Select); coding-DNA position 2018, G replaced by A.
Protein change: p.Cys673Tyr; replaces cysteine 673 with tyrosine.
Molecular consequence: missense variant.
Genome position (GRCh38, 1-based): chr17:31,226,451, G>A. VCF-style: chr17-31226451-G-A. GRCh37 (hg19) VCF-style: chr17-29553469-G-A.
Other names: c.2018G>A, p.Cys673Tyr (NM_000267.4); short protein forms C673Y.
Identifiers: ClinVar variation 237530 (VCV000237530.11), dbSNP rs878853872, ClinGen allele CA10583479.

ClinVar aggregate classification (germline): Conflicting classifications of pathogenicity. Review status: criteria provided, conflicting classifications (1 of 4 stars). 2 submissions from 2 submitters: Uncertain significance (1); Likely benign (1). Last evaluated 2025-03-17.

Conditions:
Cardiovascular phenotype. Identifiers: MedGen CN230736.
Hereditary cancer-predisposing syndrome. Also called: Tumor predisposition; Hereditary Cancer Syndrome; Hereditary neoplastic syndrome; Neoplastic Syndromes, Hereditary. Identifiers: Orphanet 140162, MedGen C0027672, MeSH D009386, MONDO:0015356.
Neurofibromatosis, type 1 (NF1). Also called: VON RECKLINGHAUSEN DISEASE; NEUROFIBROMATOSIS, TYPE I, SOMATIC; Peripheral type neurofibromatosis; Neurofibromatosis, type I. Identifiers: Orphanet 636, MedGen C0027831, MONDO:0018975, OMIM 162200. Disease mechanism: loss of function.

Allele frequency attached by ClinVar (database versions not stated): gnomAD exomes below 0.00001.
gnomAD v4.1: 1 of 1,613,524 alleles (0.000062%); highest among the groups gnomAD compares: South Asian, 0.0011%; no homozygotes.

Submissions (2):

Labcorp Genetics (formerly Invitae), Labcorp
Classification: Uncertain significance for Neurofibromatosis, type 1. Last evaluated: 2025-03-17. Review status: criteria provided, single submitter. Criteria: Invitae Variant Classification Sherloc (09022015). Collection method: clinical testing. Allele origin: germline.
Comment: This sequence change replaces cysteine, which is neutral and slightly polar, with tyrosine, which is neutral and polar, at codon 673 of the NF1 protein (p.Cys673Tyr). This variant is not present in population databases (gnomAD no frequency). This variant has not been reported in the literature in individuals affected with NF1-related conditions. ClinVar contains an entry for this variant (Variation ID: 237530). Invitae Evidence Modeling of protein sequence and biophysical properties (such as structural, functional, and spatial information, amino acid conservation, physicochemical variation, residue mobility, and thermodynamic stability) indicates that this missense variant is not expected to disrupt NF1 protein function with a negative predictive value of 95%. In summary, the available evidence is currently insufficient to determine the role of this variant in disease. Therefore, it has been classified as a Variant of Uncertain Significance.

Ambry Genetics
Classification: Likely benign for Cardiovascular phenotype; Hereditary cancer-predisposing syndrome. Last evaluated: 2024-11-08. Review status: criteria provided, single submitter. Criteria: Ambry Variant Classification Scheme 2023. Collection method: clinical testing. Allele origin: germline.